The following is an entry in ClinVar:

NM_000136.3(FANCC):c.1307G>A (p.Arg436Lys)

Genes: AOPEP (aminopeptidase O (putative); plus strand), FANCC (FA complementation group C; minus strand). Cytogenetic location: 9q22.32.
Variant type: single nucleotide variant.
Coding change: c.1307G>A on transcript NM_000136.3 (MANE Select); coding-DNA position 1307, G replaced by A.
Protein change: p.Arg436Lys; replaces arginine 436 with lysine.
Molecular consequence: missense variant.
Genome position (GRCh38, 1-based): chr9:95,111,485, C>T on the plus strand (G>A on the coding strand, the complement: FANCC is on the minus strand). VCF-style: chr9-95111485-C-T. GRCh37 (hg19) VCF-style: chr9-97873767-C-T.
Other names: c.1307G>A, p.Arg436Lys (NM_001243743.2, NM_001243744.2); short protein forms R436K.
Identifiers: ClinVar variation 840072 (VCV000840072.11), dbSNP rs201549126, ClinGen allele CA196543203.

ClinVar aggregate classification (germline): Uncertain significance. Review status: criteria provided, multiple submitters, no conflicts (2 of 4 stars). 3 submissions from 3 submitters: Uncertain significance (2). 1 of the submissions does not count toward it. Last evaluated 2025-07-29.

Conditions:
Hereditary cancer-predisposing syndrome. Also called: Neoplastic Syndromes, Hereditary; Tumor predisposition; Hereditary neoplastic syndrome; Hereditary Cancer Syndrome. Identifiers: Orphanet 140162, MedGen C0027672, MeSH D009386, MONDO:0015356.
Fanconi anemia complementation group C (FANCC). Also called: FANCONI PANCYTOPENIA, TYPE 3; FACC; Fanconi anemia, group C; FANCC-Related Fanconi Anemia. Identifiers: Orphanet 84, MedGen C3468041, MONDO:0009213, OMIM 227645.
Fanconi anemia (FA). Also called: Fanconi's anemia. Identifiers: Orphanet 84, MedGen C0015625, MeSH D005199, MONDO:0019391.

Allele frequency attached by ClinVar (database versions not stated): gnomAD exomes 0.00001; TOPMed 0.00001.
gnomAD v4.1: 9 of 1,613,750 alleles (0.00056%); highest among the groups gnomAD compares: Non-Finnish European, 0.00076%; no homozygotes.

Submissions (3):

Labcorp Genetics (formerly Invitae), Labcorp
Classification: Uncertain significance for Fanconi anemia. Last evaluated: 2025-07-29. Review status: criteria provided, single submitter. Criteria: Invitae Variant Classification Sherloc (09022015). Collection method: clinical testing. Allele origin: germline.
Comment: This sequence change replaces arginine, which is basic and polar, with lysine, which is basic and polar, at codon 436 of the FANCC protein (p.Arg436Lys). This variant is not present in population databases (gnomAD no frequency). This variant has not been reported in the literature in individuals affected with FANCC-related conditions. ClinVar contains an entry for this variant (Variation ID: 840072). Invitae Evidence Modeling of protein sequence and biophysical properties (such as structural, functional, and spatial information, amino acid conservation, physicochemical variation, residue mobility, and thermodynamic stability) indicates that this missense variant is not expected to disrupt FANCC protein function with a negative predictive value of 80%. In summary, the available evidence is currently insufficient to determine the role of this variant in disease. Therefore, it has been classified as a Variant of Uncertain Significance.

Ambry Genetics
Classification: Uncertain significance for Hereditary cancer-predisposing syndrome. Last evaluated: 2023-11-06. Review status: criteria provided, single submitter. Criteria: Ambry Variant Classification Scheme 2023. Collection method: clinical testing. Allele origin: germline.
Comment: The p.R436K variant (also known as c.1307G>A), located in coding exon 12 of the FANCC gene, results from a G to A substitution at nucleotide position 1307. The arginine at codon 436 is replaced by lysine, an amino acid with highly similar properties. This amino acid position is conserved. In addition, this alteration is predicted to be tolerated by in silico analysis. Since supporting evidence is limited at this time, the clinical significance of this alteration remains unclear.

Natera, Inc.
Classification: Uncertain significance for Fanconi anemia, group C. Last evaluated: 2020-09-16. Review status: no assertion criteria provided. Collection method: clinical testing. Allele origin: germline. Not counted in ClinVar's aggregate classification.